The following is an entry in ClinVar:

ClinVar aggregate classification (germline): Likely benign. Review status: criteria provided, multiple submitters, no conflicts (2 of 4 stars). 3 submissions from 3 submitters: Likely benign (2). 1 of the submissions does not count toward it. Last evaluated 2025-01-27.

Conditions:
HMGCS2-related disorder. Also called: HMGCS2-related condition.
3-hydroxy-3-methylglutaryl-CoA synthase deficiency (HMGCS2D). Also called: HMGCS2 DEFICIENCY; MITOCHONDRIAL HMG-CoA SYNTHASE DEFICIENCY; HMG-CoA synthase-2 deficiency. Identifiers: Orphanet 35701, MedGen C2751532, MONDO:0011614, OMIM 605911.

Allele frequency attached by ClinVar (database versions not stated): ExAC 0.00002; gnomAD exomes 0.00007; gnomAD 0.00016 and 0.00017; TOPMed 0.00024.
gnomAD v4.1: 50 of 1,614,072 alleles (0.0031%); highest among the groups gnomAD compares: Admixed American, 0.052%; no homozygotes.

Submissions (3):

Labcorp Genetics (formerly Invitae), Labcorp
Classification: Likely benign for 3-hydroxy-3-methylglutaryl-CoA synthase deficiency. Last evaluated: 2025-01-27. Review status: criteria provided, single submitter. Criteria: Invitae Variant Classification Sherloc (09022015). Collection method: clinical testing. Allele origin: germline.

GeneDx
Classification: Likely benign. Last evaluated: 2016-08-17. Review status: criteria provided, single submitter. Criteria: GeneDx Variant Classification (06012015). Collection method: clinical testing. Allele origin: germline. Affected: yes.
Comment: This variant is considered likely benign or benign based on one or more of the following criteria: it is a conservative change, it occurs at a poorly conserved position in the protein, it is predicted to be benign by multiple in silico algorithms, and/or has population frequency not consistent with disease.

PreventionGenetics, part of Exact Sciences
Classification: Likely benign for HMGCS2-related condition. Last evaluated: 2024-02-13. Review status: no assertion criteria provided. Collection method: clinical testing. Allele origin: germline. Not counted in ClinVar's aggregate classification.
Comment: This variant is classified as likely benign based on ACMG/AMP sequence variant interpretation guidelines (Richards et al. 2015 PMID: 25741868, with internal and published modifications).

NM_005518.4(HMGCS2):c.813A>G (p.Thr271=)

Gene: HMGCS2 (3-hydroxy-3-methylglutaryl-CoA synthase 2; minus strand). Cytogenetic location: 1p12.
Variant type: single nucleotide variant.
Coding change: c.813A>G on transcript NM_005518.4 (MANE Select); coding-DNA position 813, A replaced by G.
Protein change: p.Thr271=; no amino-acid change (threonine 271 retained).
Molecular consequence: synonymous variant.
Genome position (GRCh38, 1-based): chr1:119,759,155, T>C on the plus strand (A>G on the coding strand, the complement: HMGCS2 is on the minus strand). VCF-style: chr1-119759155-T-C. GRCh37 (hg19) VCF-style: chr1-120301778-T-C.
Other names: c.687A>G, p.Thr229= (NM_001166107.1).
Identifiers: ClinVar variation 388642 (VCV000388642.10), dbSNP rs765772883, ClinGen allele CA1037786.